The following is an entry in ClinVar:

ClinVar aggregate classification (germline): Conflicting classifications of pathogenicity. Review status: criteria provided, conflicting classifications (1 of 4 stars). 3 submissions from 3 submitters: Pathogenic (1); Uncertain significance (2). Last evaluated 2025-09-15.

Conditions:
Pseudohypoparathyroidism type I A (PHP1A). Also called: Pseudohypoparathyroidism Type IA; PHP IA; Pseudohypoparathyroidism type 1A; Pseudohypoparathyroidism Ia (PHP-Ia); ALBRIGHT HEREDITARY OSTEODYSTROPHY WITH MULTIPLE HORMONE RESISTANCE. Identifiers: Orphanet 79443, MedGen C3494506, MONDO:0007078, OMIM 103580.

Submissions (3):

Labcorp Genetics (formerly Invitae), Labcorp
Classification: Uncertain significance. Last evaluated: 2025-09-15. Review status: criteria provided, single submitter. Criteria: Invitae Variant Classification Sherloc (09022015). Collection method: clinical testing. Allele origin: germline.
Comment: This sequence change replaces tryptophan, which is neutral and slightly polar, with cysteine, which is neutral and slightly polar, at codon 234 of the GNAS protein (p.Trp234Cys). This variant is not present in population databases (gnomAD no frequency). This missense change has been observed in individual(s) with severe obesity (PMID: 34614324). ClinVar contains an entry for this variant (Variation ID: 1065887). Invitae Evidence Modeling of protein sequence and biophysical properties (such as structural, functional, and spatial information, amino acid conservation, physicochemical variation, residue mobility, and thermodynamic stability) indicates that this missense variant is expected to disrupt GNAS protein function with a positive predictive value of 80%. Experimental studies have shown that this missense change affects GNAS function (PMID: 34614324). In summary, the available evidence is currently insufficient to determine the role of this variant in disease. Therefore, it has been classified as a Variant of Uncertain Significance.

Genetics of Obesity Study, University of Cambridge
Classification: Pathogenic for Pseudohypoparathyroidism type I A. Last evaluated: 2020-06-01. Review status: criteria provided, single submitter. Criteria: ACMG Guidelines, 2015. Collection method: research. Allele origin: maternal. Affected: yes.

Revvity Omics, Revvity
Classification: Uncertain significance. Last evaluated: 2020-04-04. Review status: criteria provided, single submitter. Criteria: ACMG Guidelines, 2015. Collection method: clinical testing. Allele origin: germline.

Literature cited by the submitters: PubMed 34614324 (cited by Labcorp Genetics (formerly Invitae), Labcorp and Genetics of Obesity Study, University of Cambridge).

NM_000516.7(GNAS):c.702G>C (p.Trp234Cys)

Gene: GNAS (GNAS complex locus; plus strand). Cytogenetic location: 20q13.32.
Variant type: single nucleotide variant.
Coding change: c.702G>C on transcript NM_000516.7 (MANE Select); coding-DNA position 702, G replaced by C.
Protein change: p.Trp234Cys; replaces tryptophan 234 with cysteine.
Molecular consequence: missense variant. On other transcripts: 3 prime UTR variant (2).
Genome position (GRCh38, 1-based): chr20:58,909,563, G>C. VCF-style: chr20-58909563-G-C. GRCh37 (hg19) VCF-style: chr20-57484618-G-C.
Other names: c.702G>C (NM_000516.4); c.705G>C, p.Trp235Cys (NM_001077488.5); c.657G>C, p.Trp219Cys (NM_001077489.4); c.*563G>C (NM_001077490.3); c.525G>C, p.Trp175Cys (NM_001309840.2, NM_001309861.2); c.*608G>C (NM_016592.5); c.2631G>C, p.Trp877Cys (NM_080425.4); c.660G>C, p.Trp220Cys (NM_080426.4); short protein forms W234C, W175C, W219C, W220C, W235C, W877C.
Identifiers: ClinVar variation 1065887 (VCV001065887.5), dbSNP rs2091303526, ClinGen allele CA409452350.